The following is an entry in ClinVar:

NM_001165963.4(SCN1A):c.2997C>G (p.Asn999Lys)

Gene: SCN1A (sodium voltage-gated channel alpha subunit 1; minus strand). Cytogenetic location: 2q24.3.
Variant type: single nucleotide variant.
Coding change: c.2997C>G on transcript NM_001165963.4 (MANE Select); coding-DNA position 2997, C replaced by G.
Protein change: p.Asn999Lys; replaces asparagine 999 with lysine.
Molecular consequence: missense variant. On other transcripts: non-coding transcript variant (1).
Genome position (GRCh38, 1-based): chr2:166,036,480, G>C on the plus strand (C>G on the coding strand, the complement: SCN1A is on the minus strand). VCF-style: chr2-166036480-G-C. GRCh37 (hg19) VCF-style: chr2-166892990-G-C.
Other names: c.2913C>G, p.Asn971Lys (NM_001165964.3, NM_001353957.2, NM_001353958.2); c.2997C>G, p.Asn999Lys (NM_001202435.3, NM_001353948.2); c.2964C>G, p.Asn988Lys (NM_001353949.2, NM_001353950.2, NM_001353951.2 and 2 more transcripts); c.2961C>G, p.Asn987Lys (NM_001353954.2, NM_001353955.2); c.2910C>G, p.Asn970Lys (NM_001353960.2); c.555C>G, p.Asn185Lys (NM_001353961.2); short protein forms N999K, N988K, N970K, N971K, N987K, N185K.
Identifiers: ClinVar variation 580287 (VCV000580287.9), dbSNP rs1559195296, ClinGen allele CA349060463.
Genomic context (GRCh38, chr2:166,036,480, plus strand): 5'-CATCCTATCCACAGCAATTTGGAGATTATTCATTTCATTATCATCATCAGTGGCTGCAAG[G>C]TTGTCTGCACTAAATGAGCTCAGAAGCAAGGCCAGAAAGAGATTCAGGACCTTAAAAACA-3'
Protein context (NP_001159435.1, residues 989-1009): ALLLSSFSAD[Asn999Lys]LAATDDDNEM

ClinVar aggregate classification (germline): Likely pathogenic (1 of 4 stars; one submission).

Conditions:
Early-infantile DEE. Also called: Early infantile epileptic encephalopathy with suppression bursts; Early infantile epileptic encephalopathy; Ohtahara syndrome. Identifiers: Orphanet 1934, MedGen C0393706, MONDO:0800491.

Submission:

Labcorp Genetics (formerly Invitae), Labcorp
Classification: Likely pathogenic for Early-infantile DEE. Last evaluated: 2022-08-31. Review status: criteria provided, single submitter. Criteria: Invitae Variant Classification Sherloc (09022015). Collection method: clinical testing. Allele origin: germline.
Comment: In summary, the currently available evidence indicates that the variant is pathogenic, but additional data are needed to prove that conclusively. Therefore, this variant has been classified as Likely Pathogenic. Algorithms developed to predict the effect of missense changes on protein structure and function (SIFT, PolyPhen-2, Align-GVGD) all suggest that this variant is likely to be disruptive. ClinVar contains an entry for this variant (Variation ID: 580287). This missense change has been observed in individual(s) with clinical features of SCN1A-related conditions (Invitae). In at least one individual the variant was observed to be de novo. This variant is not present in population databases (gnomAD no frequency). This sequence change replaces asparagine, which is neutral and polar, with lysine, which is basic and polar, at codon 999 of the SCN1A protein (p.Asn999Lys).